The following is an entry in ClinVar:

ClinVar aggregate classification (germline): Uncertain significance (1 of 4 stars; one submission).

Submission:

Labcorp Genetics (formerly Invitae), Labcorp
Classification: Uncertain significance. Last evaluated: 2024-12-02. Review status: criteria provided, single submitter. Criteria: Invitae Variant Classification Sherloc (09022015). Collection method: clinical testing. Allele origin: germline.
Comment: This sequence change replaces leucine, which is neutral and non-polar, with phenylalanine, which is neutral and non-polar, at codon 317 of the DARS protein (p.Leu317Phe). This variant is not present in population databases (gnomAD no frequency). This variant has not been reported in the literature in individuals affected with DARS-related conditions. ClinVar contains an entry for this variant (Variation ID: 2132688). Invitae Evidence Modeling of protein sequence and biophysical properties (such as structural, functional, and spatial information, amino acid conservation, physicochemical variation, residue mobility, and thermodynamic stability) has been performed for this missense variant. However, the output from this modeling did not meet the statistical confidence thresholds required to predict the impact of this variant on DARS protein function. In summary, the available evidence is currently insufficient to determine the role of this variant in disease. Therefore, it has been classified as a Variant of Uncertain Significance.

NM_001349.4(DARS1):c.949C>T (p.Leu317Phe)

Gene: DARS1 (aspartyl-tRNA synthetase 1; minus strand). Cytogenetic location: 2q21.3.
Variant type: single nucleotide variant.
Coding change: c.949C>T on transcript NM_001349.4 (MANE Select); coding-DNA position 949, C replaced by T.
Protein change: p.Leu317Phe; replaces leucine 317 with phenylalanine.
Molecular consequence: missense variant.
Genome position (GRCh38, 1-based): chr2:135,920,463, G>A on the plus strand (C>T on the coding strand, the complement: DARS1 is on the minus strand). VCF-style: chr2-135920463-G-A. GRCh37 (hg19) VCF-style: chr2-136678033-G-A.
Other names: c.649C>T, p.Leu217Phe (NM_001293312.1); short protein forms L317F, L217F.
Identifiers: ClinVar variation 2132688 (VCV002132688.4), dbSNP rs765480231, ClinGen allele CA56842301.